The following is an entry in ClinVar:

NM_001308093.3(GATA4):c.541G>T (p.Ala181Ser)

Gene: GATA4 (GATA binding protein 4). Cytogenetic location: 8p23.1.
Variant type: single nucleotide variant.
Coding change: c.541G>T on transcript NM_001308093.3 (MANE Select); coding-DNA position 541, G replaced by T.
Protein change: p.Ala181Ser; replaces alanine 181 with serine.
Molecular consequence: missense variant. On other transcripts: intron variant (3).
Genome position (GRCh38, 1-based): chr8:11,708,853, G>T. VCF-style: chr8-11708853-G-T. GRCh37 (hg19) VCF-style: chr8-11566362-G-T.
Other names: c.541G>T, p.Ala181Ser (NM_002052.5); c.-6+8075G>T (NM_001308094.2); c.-3+839G>T (NM_001374274.1); c.-3+4549G>T (NM_001374273.1); short protein forms A181S.
Identifiers: ClinVar variation 3628373 (VCV003628373.2).

ClinVar aggregate classification (germline): Uncertain significance (1 of 4 stars; one submission).

Conditions:
Atrioventricular septal defect 4 (AVSD4). Identifiers: MedGen C3280781, MONDO:0013747, OMIM 614430.

Submission:

Labcorp Genetics (formerly Invitae), Labcorp
Classification: Uncertain significance for Atrioventricular septal defect 4. Last evaluated: 2025-01-13. Review status: criteria provided, single submitter. Criteria: Invitae Variant Classification Sherloc (09022015). Collection method: clinical testing. Allele origin: germline.
Comment: This sequence change replaces alanine, which is neutral and non-polar, with serine, which is neutral and polar, at codon 181 of the GATA4 protein (p.Ala181Ser). This variant is present in population databases (no rsID available, gnomAD 0.005%). This variant has not been reported in the literature in individuals affected with GATA4-related conditions. Invitae Evidence Modeling of protein sequence and biophysical properties (such as structural, functional, and spatial information, amino acid conservation, physicochemical variation, residue mobility, and thermodynamic stability) indicates that this missense variant is not expected to disrupt GATA4 protein function with a negative predictive value of 95%. In summary, the available evidence is currently insufficient to determine the role of this variant in disease. Therefore, it has been classified as a Variant of Uncertain Significance.